The following is an entry in ClinVar:

ClinVar aggregate classification (germline): Pathogenic (1 of 4 stars; one submission).

Conditions:
Endometrial carcinoma. Also called: Endometrial carcinoma, somatic. Identifiers: MedGen C0476089, MONDO:0002447, OMIM 608089, HP:0012114.
Lynch syndrome 5 (LYNCH5). Also called: Colorectal cancer, hereditary nonpolyposis, type 5; Hereditary non-polyposis colorectal cancer, type 5. Identifiers: Orphanet 144, MedGen C1833477, MONDO:0013710, OMIM 614350. Disease mechanism: loss of function.
Mismatch repair cancer syndrome 3. Identifiers: MedGen C5436807, MONDO:0030841, OMIM 619097.

Submission:

Juno Genomics, Hangzhou Juno Genomics, Inc
Classification: Pathogenic for Lynch syndrome 5; Endometrial carcinoma; Mismatch repair cancer syndrome 3. Review status: criteria provided, single submitter. Criteria: ACMG Guidelines, 2015. Collection method: clinical testing. Allele origin: germline. Affected: yes.
Comment: Null variant in a gene where loss of function (LOF) is a known mechanism of disease.;Absent from controls (or at extremely low frequency if recessive) in Genome Aggregation Database, Exome Sequencing Project, 1000 Genomes Project, or Exome Aggregation Consortium.;Patient's phenotype or family history is highly specific for a disease with a single genetic etiology.

NM_000179.3(MSH6):c.3886_3887insT (p.Lys1296fs)

Gene: MSH6 (mutS homolog 6; plus strand). Cytogenetic location: 2p16.3.
Variant type: Insertion.
Coding change: c.3886_3887insT on transcript NM_000179.3 (MANE Select); coding-DNA positions 3886 to 3887, T inserted.
Protein change: p.Lys1296fs; shifts the reading frame from lysine 1296.
Molecular consequence: frameshift variant. On other transcripts: nonsense (1), non-coding transcript variant (5), intron variant (1).
Genome position: GRCh38 VCF-style: chr2-47806536-A-AT. GRCh37 (hg19) VCF-style: chr2-48033675-A-AT.
Other names: c.3496_3497insT, p.Lys1166fs (NM_001281492.2); c.2980_2981insT, p.Lys994fs (NM_001281493.2, NM_001281494.2, NM_001406823.1 and 6 more transcripts); c.3982_3983insT, p.Lys1328fs (NM_001406795.1); c.3886_3887insT, p.Lys1296fs (NM_001406796.1, NM_001406808.1, NM_001406809.1); c.3589_3590insT, p.Lys1197fs (NM_001406797.1, NM_001406801.1, NM_001406805.1 and 10 more transcripts); c.3712_3713insT, p.Lys1238fs (NM_001406798.1); c.3361_3362insT, p.Lys1121fs (NM_001406799.1, NM_001406806.1, NM_001406807.1); c.3873_3874insT, p.Lys1292Ter (NM_001406800.1); and 9 more; short protein forms K1008fs, K1121fs, K1166fs, K1197fs, K1238fs, K1240fs, K1270fs, K1292*.
Identifiers: ClinVar variation 3381941 (VCV003381941.2).